The following is an entry in ClinVar:

ClinVar aggregate classification (germline): Uncertain significance. Review status: criteria provided, multiple submitters, no conflicts (2 of 4 stars). 2 submissions from 2 submitters: Uncertain significance (2). Last evaluated 2026-01-24.

Conditions:
Familial thoracic aortic aneurysm and aortic dissection (TAAD). Also called: Thoracic aortic aneurysms and dissections. Identifiers: Orphanet 91387, MedGen C4707243, MONDO:0019625.
Macular degeneration, early-onset (EOMD). Identifiers: MedGen C4015286, MONDO:0014501, OMIM 616118.
Congenital contractural arachnodactyly (CCA). Also called: Beals-Hecht syndrome; BEALS SYNDROME; Arthrogryposis, distal, type 9. Identifiers: Orphanet 115, MedGen C0220668, MONDO:0007363, OMIM 121050.

Allele frequency attached by ClinVar (database versions not stated): gnomAD exomes below 0.00001.
gnomAD v4.1: 2 of 1,614,002 alleles (0.00012%); highest among the groups gnomAD compares: Non-Finnish European, 0.00017%; no homozygotes.

Submissions (2):

Ambry Genetics
Classification: Uncertain significance for Familial thoracic aortic aneurysm and aortic dissection. Last evaluated: 2026-01-24. Review status: criteria provided, single submitter. Criteria: Ambry Variant Classification Scheme 2023. Collection method: clinical testing. Allele origin: germline.
Comment: The p.E1653K variant (also known as c.4957G>A), located in coding exon 39 of the FBN2 gene, results from a G to A substitution at nucleotide position 4957. The glutamic acid at codon 1653 is replaced by lysine, an amino acid with similar properties. This amino acid position is conserved. In addition, this alteration is predicted to be deleterious by in silico analysis. Based on the available evidence, the clinical significance of this variant remains unclear.

Labcorp Genetics (formerly Invitae), Labcorp
Classification: Uncertain significance for Congenital contractural arachnodactyly. Last evaluated: 2025-09-01. Review status: criteria provided, single submitter. Criteria: Invitae Variant Classification Sherloc (09022015). Collection method: clinical testing. Allele origin: germline.
Comment: This sequence change replaces glutamic acid, which is acidic and polar, with lysine, which is basic and polar, at codon 1653 of the FBN2 protein (p.Glu1653Lys). This variant is not present in population databases (gnomAD no frequency). This variant has not been reported in the literature in individuals affected with FBN2-related conditions. ClinVar contains an entry for this variant (Variation ID: 1921771). Invitae Evidence Modeling of protein sequence and biophysical properties (such as structural, functional, and spatial information, amino acid conservation, physicochemical variation, residue mobility, and thermodynamic stability) indicates that this missense variant is not expected to disrupt FBN2 protein function with a negative predictive value of 95%. In summary, the available evidence is currently insufficient to determine the role of this variant in disease. Therefore, it has been classified as a Variant of Uncertain Significance.

NM_001999.4(FBN2):c.4957G>A (p.Glu1653Lys)

Gene: FBN2 (fibrillin 2; minus strand). Cytogenetic location: 5q23.3.
Variant type: single nucleotide variant.
Coding change: c.4957G>A on transcript NM_001999.4 (MANE Select); coding-DNA position 4957, G replaced by A.
Protein change: p.Glu1653Lys; replaces glutamic acid 1653 with lysine.
Molecular consequence: missense variant.
Genome position (GRCh38, 1-based): chr5:128,311,417, C>T on the plus strand (G>A on the coding strand, the complement: FBN2 is on the minus strand). VCF-style: chr5-128311417-C-T. GRCh37 (hg19) VCF-style: chr5-127647109-C-T.
Other names: c.4957G>A (NM_001999.3); short protein forms E1653K.
Identifiers: ClinVar variation 1921771 (VCV001921771.7), dbSNP rs1329599303, ClinGen allele CA360746278.